The following is an entry in ClinVar:

ClinVar aggregate classification (germline): Uncertain significance (1 of 4 stars; one submission).

Conditions:
Glycogen storage disease due to muscle and heart glycogen synthase deficiency. Also called: GSD 0b; MUSCLE GLYCOGEN SYNTHASE DEFICIENCY. Identifiers: Orphanet 137625, MedGen C1969054, MONDO:0012693, OMIM 611556.

Submission:

Labcorp Genetics (formerly Invitae), Labcorp
Classification: Uncertain significance for Glycogen storage disease due to muscle and heart glycogen synthase deficiency. Last evaluated: 2022-06-20. Review status: criteria provided, single submitter. Criteria: Invitae Variant Classification Sherloc (09022015). Collection method: clinical testing. Allele origin: germline.
Comment: This sequence change replaces proline, which is neutral and non-polar, with leucine, which is neutral and non-polar, at codon 13 of the GYS1 protein (p.Pro13Leu). This variant is not present in population databases (gnomAD no frequency). This variant has not been reported in the literature in individuals affected with GYS1-related conditions. Algorithms developed to predict the effect of missense changes on protein structure and function (SIFT, PolyPhen-2, Align-GVGD) all suggest that this variant is likely to be tolerated. In summary, the available evidence is currently insufficient to determine the role of this variant in disease. Therefore, it has been classified as a Variant of Uncertain Significance.

NM_002103.5(GYS1):c.38C>T (p.Pro13Leu)

Gene: GYS1 (glycogen synthase 1; minus strand). Cytogenetic location: 19q13.33.
Variant type: single nucleotide variant.
Coding change: c.38C>T on transcript NM_002103.5 (MANE Select); coding-DNA position 38, C replaced by T.
Protein change: p.Pro13Leu; replaces proline 13 with leucine.
Molecular consequence: missense variant. On other transcripts: non-coding transcript variant (1).
Genome position (GRCh38, 1-based): chr19:48,993,075, G>A on the plus strand (C>T on the coding strand, the complement: GYS1 is on the minus strand). VCF-style: chr19-48993075-G-A. GRCh37 (hg19) VCF-style: chr19-49496332-G-A.
Other names: c.38C>T, p.Pro13Leu (NM_001161587.2); short protein forms P13L.
Identifiers: ClinVar variation 1508415 (VCV001508415.8), dbSNP rs2122550059, ClinGen allele CA406767075.
Genomic context (GRCh38, chr19:48,993,075, plus strand): 5'-GCCACTTCGAAGAGCACTGCGTTCTCCAGGTCGAATTCATCCTCCCAGTCCTCCAGTCCT[G>A]GCAGTGAGGACATGGACAAAGTGCGGTTTAAAGGCATGGCTGGCGCAGGAAGGGGGGCTC-3'
Protein context (NP_002094.2, residues 3-23): LNRTLSMSSL[Pro13Leu]GLEDWEDEFD